The following is an entry in ClinVar:

NM_080680.3(COL11A2):c.2169G>A (p.Lys723=)

Gene: COL11A2 (collagen type XI alpha 2 chain; minus strand). Cytogenetic location: 6p21.32.
Variant type: single nucleotide variant.
Coding change: c.2169G>A on transcript NM_080680.3 (MANE Select); coding-DNA position 2169, G replaced by A.
Protein change: p.Lys723=; no amino-acid change (lysine 723 retained).
Molecular consequence: synonymous variant.
Genome position (GRCh38, 1-based): chr6:33,176,433, C>T on the plus strand (G>A on the coding strand, the complement: COL11A2 is on the minus strand). VCF-style: chr6-33176433-C-T. GRCh37 (hg19) VCF-style: chr6-33144210-C-T.
Other names: c.1989G>A, p.Lys663= (NM_001424108.1); c.1323G>A, p.Lys441= (NM_001424109.1); c.1143G>A, p.Lys381= (NM_001424110.1, NM_001424111.1); c.123G>A, p.Lys41= (NM_001424112.1); c.1848G>A, p.Lys616= (NM_080679.3); c.1911G>A, p.Lys637= (NM_080681.3).
Identifiers: ClinVar variation 4975289 (VCV004975289.1).
Genomic context (GRCh38, chr6:33,176,433, plus strand): 5'-AAGACCCCATATAGCTCCCCTGACCACAGCCCTTTGTCTCCCAGCCTGGTGGTCAGTTAC[C>T]TTGACCCCTCGAGGTCCTGGGTATCCTAGAGGTCCCTGAGGTCCAGAGGGACCCTGGAAG-3'
Protein context (NP_542411.2, residues 713-733): PLGYPGPRGV[Lys723=]GVDGIRGLKG

ClinVar aggregate classification (germline): Uncertain significance (1 of 4 stars; one submission).

Submission:

GeneDx
Classification: Uncertain significance. Last evaluated: 2026-01-29. Review status: criteria provided, single submitter. Criteria: GeneDx Variant Classification Process June 2021. Collection method: clinical testing. Allele origin: germline.
Comment: Not observed at significant frequency in large population cohorts (gnomAD); Has not been previously published as pathogenic or benign to our knowledge; In silico analysis is inconclusive as to whether the variant alters gene splicing. In the absence of RNA/functional studies, the actual effect of this sequence change is unknown.